The following is an entry in ClinVar:

ClinVar aggregate classification (germline): Likely benign. Review status: criteria provided, multiple submitters, no conflicts (2 of 4 stars). 3 submissions from 3 submitters: Likely benign (3). Last evaluated 2024-05-14.

Conditions:
Hereditary cancer-predisposing syndrome. Also called: Neoplastic Syndromes, Hereditary; Tumor predisposition; Hereditary Cancer Syndrome; Hereditary neoplastic syndrome. Identifiers: Orphanet 140162, MedGen C0027672, MeSH D009386, MONDO:0015356.
Multiple endocrine neoplasia, type 2 (MEN2). Identifiers: Orphanet 653, MedGen C4048306, MONDO:0019003. Disease mechanism: gain of function.

Allele frequency attached by ClinVar (database versions not stated): gnomAD 0.00001; TOPMed 0.00001.
gnomAD v4.1: 1 of 1,613,800 alleles (0.000062%); highest among the groups gnomAD compares: African/African-American, 0.0013%; no homozygotes.

Submissions (3):

All of Us Research Program, National Institutes of Health
Classification: Likely benign for Multiple endocrine neoplasia, type 2. Last evaluated: 2024-05-14. Review status: criteria provided, single submitter. Criteria: ACMG Guidelines, 2015. Collection method: clinical testing. Allele origin: germline. Inheritance: Autosomal dominant inheritance. Observed: 1 variant allele, 1 heterozygote.
Comment: This study involves interpretation of variants in research participants for the purpose of population health screening. Participant phenotype was not available at the time of variant classification. Additional details can be found in publication PMID: 35346344, PMCID: PMC8962531

Labcorp Genetics (formerly Invitae), Labcorp
Classification: Likely benign for Multiple endocrine neoplasia, type 2. Last evaluated: 2022-10-30. Review status: criteria provided, single submitter. Criteria: Invitae Variant Classification Sherloc (09022015). Collection method: clinical testing. Allele origin: germline.

Ambry Genetics
Classification: Likely benign for Hereditary cancer-predisposing syndrome. Last evaluated: 2019-07-22. Review status: criteria provided, single submitter. Criteria: Ambry Variant Classification Scheme 2023. Collection method: clinical testing. Allele origin: germline.

NM_020975.6(RET):c.1149C>T (p.Gly383=)

Gene: RET (ret proto-oncogene; plus strand). Cytogenetic location: 10q11.21.
Variant type: single nucleotide variant.
Coding change: c.1149C>T on transcript NM_020975.6 (MANE Select); coding-DNA position 1149, C replaced by T.
Protein change: p.Gly383=; no amino-acid change (glycine 383 retained).
Molecular consequence: synonymous variant. On other transcripts: intron variant (18).
Genome position (GRCh38, 1-based): chr10:43,109,116, C>T. VCF-style: chr10-43109116-C-T. GRCh37 (hg19) VCF-style: chr10-43604564-C-T.
Other names: c.1149C>T, p.Gly383= (NM_000323.2, NM_001406743.1, NM_001406744.1 and 6 more transcripts); c.387C>T, p.Gly129= (NM_001355216.2); c.1020C>T, p.Gly340= (NM_001406761.1, NM_001406762.1, NM_001406764.1 and 1 more transcripts); c.861C>T, p.Gly287= (NM_001406766.1, NM_001406767.1, NM_001406770.1); c.711C>T, p.Gly237= (NM_001406771.1, NM_001406773.1); c.423C>T, p.Gly141= (NM_001406775.1, NM_001406776.1, NM_001406777.1 and 1 more transcripts); c.159C>T, p.Gly53= (NM_001406784.1); c.868-2091C>T (NM_001406772.1, NM_001406769.1); and 5 more.
Identifiers: ClinVar variation 1733323 (VCV001733323.6), dbSNP rs1254273557, ClinGen allele CA469025695.